The following is an entry in ClinVar:

NM_005006.7(NDUFS1):c.1730C>A (p.Ala577Asp)

Gene: NDUFS1 (NADH:ubiquinone oxidoreductase core subunit S1; minus strand). Cytogenetic location: 2q33.3.
Variant type: single nucleotide variant.
Coding change: c.1730C>A on transcript NM_005006.7 (MANE Select); coding-DNA position 1730, C replaced by A.
Protein change: p.Ala577Asp; replaces alanine 577 with aspartic acid.
Molecular consequence: missense variant.
Genome position (GRCh38, 1-based): chr2:206,127,951, G>T on the plus strand (C>A on the coding strand, the complement: NDUFS1 is on the minus strand). VCF-style: chr2-206127951-G-T. GRCh37 (hg19) VCF-style: chr2-206992675-G-T.
Other names: c.1622C>A, p.Ala541Asp (NM_001199981.2); c.1397C>A, p.Ala466Asp (NM_001199982.2); c.1559C>A, p.Ala520Asp (NM_001199983.2); c.1772C>A, p.Ala591Asp (NM_001199984.2); short protein forms A577D, A520D, A541D, A591D, A466D.
Identifiers: ClinVar variation 1445341 (VCV001445341.8), dbSNP rs1691357817, ClinGen allele CA350043782.

ClinVar aggregate classification (germline): Uncertain significance (1 of 4 stars; one submission).

Submission:

Labcorp Genetics (formerly Invitae), Labcorp
Classification: Uncertain significance. Last evaluated: 2021-03-30. Review status: criteria provided, single submitter. Criteria: Invitae Variant Classification Sherloc (09022015). Collection method: clinical testing. Allele origin: germline.
Comment: In summary, the available evidence is currently insufficient to determine the role of this variant in disease. Therefore, it has been classified as a Variant of Uncertain Significance. Algorithms developed to predict the effect of missense changes on protein structure and function are either unavailable or do not agree on the potential impact of this missense change (SIFT: "Deleterious"; PolyPhen-2: "Probably Damaging"; Align-GVGD: "Class C0"). This variant has been observed in individual(s) with NDUFS1-related conditions (Invitae). In at least one individual the data is consistent with the variant being in trans (on the opposite chromosome) from a pathogenic variant. This variant is also known as c.1772C>A (p.Ala591Asp). This variant is not present in population databases (ExAC no frequency). This sequence change replaces alanine with aspartic acid at codon 577 of the NDUFS1 protein (p.Ala577Asp). The alanine residue is highly conserved and there is a moderate physicochemical difference between alanine and aspartic acid.